The following is an entry in ClinVar:

NM_001170629.2(CHD8):c.6830G>C (p.Gly2277Ala)

Genes: CHD8 (chromodomain helicase DNA binding protein 8; minus strand), LOC126861888 (CDK7 strongly-dependent group 2 enhancer GRCh37_chr14:21859227-21860426; plus strand). Cytogenetic location: 14q11.2.
Variant type: single nucleotide variant.
Coding change: c.6830G>C on transcript NM_001170629.2 (MANE Select); coding-DNA position 6830, G replaced by C.
Protein change: p.Gly2277Ala; replaces glycine 2277 with alanine.
Molecular consequence: missense variant.
Genome position (GRCh38, 1-based): chr14:21,391,888, C>G on the plus strand (G>C on the coding strand, the complement: CHD8 is on the minus strand). VCF-style: chr14-21391888-C-G. GRCh37 (hg19) VCF-style: chr14-21860047-C-G.
Other names: c.5993G>C, p.Gly1998Ala (NM_020920.4); short protein forms G1998A, G2277A.
Identifiers: ClinVar variation 589553 (VCV000589553.11), dbSNP rs1046663771, ClinGen allele CA257591560.

ClinVar aggregate classification (germline): Conflicting classifications of pathogenicity. Review status: criteria provided, conflicting classifications (1 of 4 stars). 3 submissions from 3 submitters: Uncertain significance (2); Likely benign (1). Last evaluated 2025-04-10.

Conditions:
Inborn genetic diseases. Identifiers: MedGen C0950123, MeSH D030342.

Allele frequency attached by ClinVar (database versions not stated): gnomAD exomes below 0.00001; TOPMed 0.00003.
gnomAD v4.1: 2 of 1,613,980 alleles (0.00012%); highest among the groups gnomAD compares: African/African-American, 0.0013%; no homozygotes.

Submissions (3):

Labcorp Genetics (formerly Invitae), Labcorp
Classification: Likely benign. Last evaluated: 2025-04-10. Review status: criteria provided, single submitter. Criteria: Invitae Variant Classification Sherloc (09022015). Collection method: clinical testing. Allele origin: germline.

GeneDx
Classification: Uncertain significance. Last evaluated: 2022-09-22. Review status: criteria provided, single submitter. Criteria: GeneDx Variant Classification Process June 2021. Collection method: clinical testing. Allele origin: germline. Affected: yes.
Comment: Reported as G1998A due to the use of alternate nomenclature in an individual with intellectual disability in the published literature; however, segregation information was not available (Merner et al., 2016); In silico analysis supports that this missense variant does not alter protein structure/function; Not observed at significant frequency in large population cohorts (gnomAD); This variant is associated with the following publications: (PMID: 26789910, 30376831)

Ambry Genetics
Classification: Uncertain significance for Inborn genetic diseases. Last evaluated: 2017-02-22. Review status: criteria provided, single submitter. Criteria: Ambry Variant Classification Scheme 2023. Collection method: clinical testing. Allele origin: germline.
Comment: The p.G2277A variant (also known as c.6830G>C), located in coding exon 34 of the CHD8 gene, results from a G to C substitution at nucleotide position 6830. The glycine at codon 2277 is replaced by alanine, an amino acid with similar properties. In one study, this alteration was detected in an individual with intellectual disability (Merner N et al. Am. J. Med. Genet. A, 2016 May;170A:1225-35). This amino acid position is well conserved in available vertebrate species. In addition, the in silico prediction for this alteration is inconclusive. Since supporting evidence is limited at this time, the clinical significance of this alteration remains unclear.

Literature cited by the submitters: PubMed 26789910 (cited by Ambry Genetics).